The following is an entry in ClinVar:

ClinVar aggregate classification (germline): Likely pathogenic (1 of 4 stars; one submission).

Conditions:
Autosomal recessive limb-girdle muscular dystrophy type 2A (LGMDR1). Also called: Limb-girdle muscular dystrophy, type 2A; Muscular dystrophy, limb-girdle, type 2A, Amish; Calpainopathy; LEYDEN-MOEBIUS MUSCULAR DYSTROPHY; MUSCULAR DYSTROPHY, PELVOFEMORAL. Identifiers: Orphanet 267, MedGen C1869123, MONDO:0009675, OMIM 253600. Disease mechanism: loss of function.

Submission:

Neuberg Centre For Genomic Medicine, NCGM
Classification: Likely pathogenic for Autosomal recessive limb-girdle muscular dystrophy type 2A. Review status: criteria provided, single submitter. Criteria: ACMG Guidelines, 2015. Collection method: clinical testing. Allele origin: germline. Inheritance: Autosomal recessive inheritance. Affected: yes.
Comment: The frameshift variant c.728_762dup (p.Ala255MetfsTer10) in CAPN3 gene has not been reported previously as a pathogenic variant nor as a benign variant, to our knowledge. The p.Ala255MetfsTer10 variant is novel (not in any individuals) in gnomAD Exomes and 1000 Genomes. This variant causes a frameshift starting with codon Alanine 255, changes this amino acid to Methionine residue, and creates a premature Stop codon at position 10 of the new reading frame, denoted p.Ala255MetfsTer10. This variant is predicted to cause loss of normal protein function through protein truncation. Loss of function variants have been previously reported to be disease causing. For these reasons, this variant has been classified as Likely Pathogenic.

NM_000070.3(CAPN3):c.728_762dup (p.Ala255delinsMetLeuLeuValThrCysThrArgSerTer)

Gene: CAPN3 (calpain 3; plus strand). Cytogenetic location: 15q15.1.
Variant type: Duplication.
Coding change: c.728_762dup on transcript NM_000070.3 (MANE Select); coding-DNA positions 728 to 762, 35 bases duplicated.
Protein change: p.Ala255delinsMetLeuLeuValThrCysThrArgSerTer.
Molecular consequence: nonsense. On other transcripts: frameshift variant (1).
Genome position (GRCh38, 1-based): chr15:42,389,023-42,389,057, 35 bases duplicated. GRCh37 (hg19): chr15:42,681,221-42,681,255.
Other names: c.728_762dup, p.Ala255delinsMetLeuLeuValThrCysThrArgSerTer (NM_024344.2, NM_173087.2); c.467_501dup, p.Ala168Metfs (NM_212464.2); c.*421_*455dup (NM_212467.2).
Identifiers: ClinVar variation 2585261 (VCV002585261.1), dbSNP rs2548260430, ClinGen allele CA2582341782.